The following is an entry in ClinVar:

NM_000059.4(BRCA2):c.7233A>C (p.Lys2411Asn)

Gene: BRCA2 (BRCA2 DNA repair associated; plus strand). Cytogenetic location: 13q13.1.
Variant type: single nucleotide variant.
Coding change: c.7233A>C on transcript NM_000059.4 (MANE Select); coding-DNA position 7233, A replaced by C.
Protein change: p.Lys2411Asn; replaces lysine 2411 with asparagine.
Molecular consequence: missense variant. On other transcripts: non-coding transcript variant (1).
Genome position (GRCh38, 1-based): chr13:32,355,086, A>C. VCF-style: chr13-32355086-A-C. GRCh37 (hg19) VCF-style: chr13-32929223-A-C.
Other names: c.7137A>C, p.Lys2379Asn (NM_001406719.1); c.7233A>C, p.Lys2411Asn (NM_001406720.1, NM_001432077.1); c.2301A>C, p.Lys767Asn (NM_001406721.1); c.816A>C, p.Lys272Asn (NM_001406722.1); short protein forms K2379N, K2411N, K272N, K767N.
Identifiers: ClinVar variation 4856486 (VCV004856486.1).

ClinVar aggregate classification (germline): Likely benign (1 of 4 stars; one submission).

Conditions:
Breast-ovarian cancer, familial, susceptibility to, 2 (BROVCA2). Also called: BRCA2 Hereditary Breast and Ovarian Cancer. Identifiers: Orphanet 145, MedGen C2675520, MONDO:0012933, OMIM 612555. Disease mechanism: loss of function.

gnomAD v4.1: 1 of 1,613,994 alleles (0.000062%); highest among the groups gnomAD compares: Non-Finnish European, 0.000085%; no homozygotes.

Submission:

Cancer Bioinformatics and Tumour Evolution Laboratory, Monash University
Classification: Likely benign for Breast-ovarian cancer, familial, susceptibility to, 2. Last evaluated: 2026-05-01. Review status: criteria provided, single submitter. Criteria: ClinGen BRCA1 and BRCA2 Guidelines, 2024. Collection method: curation. Allele origin: germline. Inheritance: Autosomal dominant inheritance.
Comment: PMID: 39281752 - A large scale study to determine the case-control LR of BRCA1 and BRCA2 variants. The data was consolidated in the ccLR browser. This variant was found in the browser with a LR of 0.676900945 which is in the no evidence range according to the BRCA1 and BRCA2 VCEP. Hence, no evidence code is applied. Missense variant outside of a functional domain with no splice impact. BRCA1 and BRCA2 VCEP guidelines recommend application of BP1_Strong (PMID: 39142283)

Literature cited by the submitters: PubMed 39281752.